The following is an entry in ClinVar:

ClinVar aggregate classification (germline): Uncertain significance (1 of 4 stars; one submission).

Allele frequency attached by ClinVar (database versions not stated): gnomAD exomes below 0.00001; TOPMed below 0.00001; ExAC 0.00001; gnomAD 0.00001.
gnomAD v4.1: 4 of 1,614,034 alleles (0.00025%); highest among the groups gnomAD compares: African/African-American, 0.0053%; no homozygotes.

Submission:

Labcorp Genetics (formerly Invitae), Labcorp
Classification: Uncertain significance. Last evaluated: 2022-07-26. Review status: criteria provided, single submitter. Criteria: Invitae Variant Classification Sherloc (09022015). Collection method: clinical testing. Allele origin: germline.
Comment: This sequence change replaces alanine, which is neutral and non-polar, with valine, which is neutral and non-polar, at codon 266 of the CNGB1 protein (p.Ala266Val). This variant is present in population databases (rs747935592, gnomAD 0.007%). This variant has not been reported in the literature in individuals affected with CNGB1-related conditions. ClinVar contains an entry for this variant (Variation ID: 955577). Advanced modeling of protein sequence and biophysical properties (such as structural, functional, and spatial information, amino acid conservation, physicochemical variation, residue mobility, and thermodynamic stability) performed at Invitae indicates that this missense variant is not expected to disrupt CNGB1 protein function. In summary, the available evidence is currently insufficient to determine the role of this variant in disease. Therefore, it has been classified as a Variant of Uncertain Significance.

NM_001297.5(CNGB1):c.797C>T (p.Ala266Val)

Gene: CNGB1 (cyclic nucleotide gated channel subunit beta 1; minus strand). Cytogenetic location: 16q21.
Variant type: single nucleotide variant.
Coding change: c.797C>T on transcript NM_001297.5 (MANE Select); coding-DNA position 797, C replaced by T.
Protein change: p.Ala266Val; replaces alanine 266 with valine.
Molecular consequence: missense variant.
Genome position (GRCh38, 1-based): chr16:57,958,450, G>A on the plus strand (C>T on the coding strand, the complement: CNGB1 is on the minus strand). VCF-style: chr16-57958450-G-A. GRCh37 (hg19) VCF-style: chr16-57992354-G-A.
Other names: c.797C>T, p.Ala266Val (NM_001135639.2); c.779C>T, p.Ala260Val (NM_001286130.2); short protein forms A260V, A266V.
Identifiers: ClinVar variation 955577 (VCV000955577.9), dbSNP rs747935592, ClinGen allele CA8083682.